The following is an entry in ClinVar:

NC_000022.11:g.(?_28687887)_(28699947_?)dup

Gene: CHEK2 (checkpoint kinase 2; minus strand). Cytogenetic location: 22q12.1.
Variant type: Duplication.
Identifiers: ClinVar variation 833125 (VCV000833125.3).

ClinVar aggregate classification (germline): Uncertain significance (1 of 4 stars; one submission).

Conditions:
Familial cancer of breast. Also called: BREAST CANCER, FAMILIAL; Hereditary breast cancer; hereditary breast carcinoma. Identifiers: Orphanet 227535, MedGen C0346153, MONDO:0016419, OMIM 114480. Disease mechanism: loss of function.

Submission:

Labcorp Genetics (formerly Invitae), Labcorp
Classification: Uncertain significance for Hereditary Breast Carcinoma. Last evaluated: 2019-06-26. Review status: criteria provided, single submitter. Criteria: Invitae Variant Classification Sherloc (09022015). Collection method: clinical testing. Allele origin: germline.
Comment: This variant is a gross duplication of the genomic region encompassing exons 9 to 15 of the CHEK2 gene. The 5' boundary is likely confined to intron 8. The 3' end of this event is unknown as it extends beyond the assayed region for this gene and therefore may encompass additional genes. The exact location of this variant in the genome is unknown. This variant has not been reported in the literature in individuals with CHEK2-related disease. Experimental studies and prediction algorithms are not available for this variant, and the functional significance of the duplicated exons is currently unknown. In summary, the genomic location of this variant is unknown and the available evidence is currently insufficient to determine the role of this variant in disease. Therefore, it has been classified as a Variant of Uncertain Significance.